The following is an entry in ClinVar:

ClinVar aggregate classification (germline): Pathogenic (1 of 4 stars; one submission).

Conditions:
Autosomal recessive Alport syndrome (ATS2). Also called: COL4A3-Related Nephropathy; COL4A4 Alport Syndrome and Thin Basement Membrane Nephropathy; ALPORT SYNDROME 2, AUTOSOMAL RECESSIVE; Alport syndrome type 2. Identifiers: Orphanet 63, Orphanet 88919, MedGen C4746745, MONDO:0008762, OMIM 203780.

Submission:

MVZ Medizinische Genetik Mainz
Classification: Pathogenic for Autosomal recessive Alport syndrome. Last evaluated: 2024-08-07. Review status: criteria provided, single submitter. Criteria: UK Practice Guidelines For Variant Classification V4 01 2020. Collection method: clinical testing. Allele origin: germline. Inheritance: Autosomal dominant inheritance. Affected: yes. Observed: 1 variant allele.
Comment: ACMG Criteria: PVS1,PM2_SUP,PP4

NM_000092.5(COL4A4):c.4293dup (p.Lys1432Ter)

Gene: COL4A4 (collagen type IV alpha 4 chain; minus strand). Cytogenetic location: 2q36.3.
Variant type: Duplication.
Coding change: c.4293dup on transcript NM_000092.5 (MANE Select); coding-DNA position 4293, one base duplicated (T; older notation c.4293dupT).
Protein change: p.Lys1432Ter; replaces lysine 1432 with a stop codon.
Molecular consequence: nonsense.
Genome position (GRCh38, 1-based): chr2:227,012,221, A duplicated on the plus strand (T on the coding strand, the reverse complement: COL4A4 is on the minus strand). VCF-style (leftmost placement, unchanged base first): chr2-227012220-T-TA. GRCh37 (hg19) VCF-style: chr2-227876936-T-TA.
Other names: short protein forms K1432*.
Identifiers: ClinVar variation 3338415 (VCV003338415.1).
Genomic context (GRCh38, chr2:227,012,220, plus strand): 5'-GAGGAGTGACTGAAACTCTACCTGGTCCTCCAGGGTAGCCGTCTTCTCCTGTGTCACCTT[T>TA]ACGTCCGGGAGGCCCAGGAGACCCAGGGACGCCATCCACACCCCTCCTGCCATCCAGCCC-3'